The following is an entry in ClinVar:

ClinVar aggregate classification (germline): Likely pathogenic (1 of 4 stars; one submission).

Conditions:
Neurofibromatosis, type 1 (NF1). Also called: VON RECKLINGHAUSEN DISEASE; NEUROFIBROMATOSIS, TYPE I, SOMATIC; Peripheral type neurofibromatosis; Neurofibromatosis, type I. Identifiers: Orphanet 636, MedGen C0027831, MONDO:0018975, OMIM 162200. Disease mechanism: loss of function.

Submission:

Labcorp Genetics (formerly Invitae), Labcorp
Classification: Likely pathogenic for Neurofibromatosis, type 1. Last evaluated: 2018-11-28. Review status: criteria provided, single submitter. Criteria: Invitae Variant Classification Sherloc (09022015). Collection method: clinical testing. Allele origin: germline.
Comment: This variant, c.243_254delinsTGAGAGAGA, results in in-frame substitution of 4 amino acids at codons 82 to 85 of the NF1 protein (p.Ser82_Ile85delinsGluArgAsp), but otherwise preserves the integrity of the reading frame. This variant is not present in population databases (ExAC no frequency). Experimental studies and prediction algorithms are not available for this variant, and the functional significance of the affected amino acid(s) is currently unknown. Variants that disrupt the p.Ser82 amino acid residue in NF1 have been observed in affected individuals (PMID: 11857752, 16944272). This suggests that it is a clinically significant residue, and that other variants that disrupt this residue are likely to be causative of disease. In summary, the currently available evidence indicates that the variant is pathogenic, but additional data are needed to prove that conclusively. Therefore, this variant has been classified as Likely Pathogenic.

Literature cited by the submitters: PubMed 11857752; PubMed 16944272.

NM_001042492.3(NF1):c.243_254delinsTGAGAGAGA (p.Ser82_Ile85delinsGluArgAsp)

Gene: NF1 (neurofibromin 1; plus strand). Cytogenetic location: 17q11.2.
Variant type: Indel.
Coding change: c.243_254delinsTGAGAGAGA on transcript NM_001042492.3 (MANE Select); coding-DNA positions 243 to 254, CTCTCAGTTGAT replaced by TGAGAGAGA.
Protein change: p.Ser82_Ile85delinsGluArgAsp.
Molecular consequence: inframe indel.
Genome position (GRCh38, 1-based): chr17:31,159,048-31,159,059, CTCTCAGTTGAT replaced by TGAGAGAGA. VCF-style: chr17-31159048-CTCTCAGTTGAT-TGAGAGAGA. GRCh37 (hg19) VCF-style: chr17-29486066-CTCTCAGTTGAT-TGAGAGAGA.
Other names: c.243_254delCTCTCAGTTGATinsTGAGAGAGA, p.Ser82_Ile85delinsGluArgAsp (NM_000267.4); c.243_254delinsTGAGAGAGA, p.Ser82_Ile85delinsGluArgAsp (NM_001128147.3).
Identifiers: ClinVar variation 663004 (VCV000663004.5), dbSNP rs1597629809, ClinGen allele CA915949702.
Genomic context (GRCh38, chr17:31,159,048, plus strand): 5'-TTCTGAATATCTTTTCTGTTAGAGAATATTTGGAGAAGCTGCTGAAAAAAATTTATATCT[CTCTCAGTTGAT>TGAGAGAGA]TATATTGGATACACTGGAAAAATGTCTTGCTGGGGTAAGTAAATTGATCTTAAGTAGGCA-3'